The following is an entry in ClinVar:

ClinVar aggregate classification (germline): Uncertain significance (1 of 4 stars; one submission).

gnomAD v4.1: 1 of 1,614,066 alleles (0.000062%); highest among the groups gnomAD compares: Non-Finnish European, 0.000085%; no homozygotes.

Submission:

GeneDx
Classification: Uncertain significance. Last evaluated: 2023-10-15. Review status: criteria provided, single submitter. Criteria: GeneDx Variant Classification Process June 2021. Collection method: clinical testing. Allele origin: germline. Affected: yes.
Comment: Not observed at significant frequency in large population cohorts (gnomAD); In silico analysis supports that this missense variant has a deleterious effect on protein structure/function; Has not been previously published as pathogenic or benign to our knowledge

NM_006828.4(ASCC3):c.1490T>C (p.Ile497Thr)

Gene: ASCC3 (activating signal cointegrator 1 complex subunit 3; minus strand). Cytogenetic location: 6q16.3.
Variant type: single nucleotide variant.
Coding change: c.1490T>C on transcript NM_006828.4 (MANE Select); coding-DNA position 1490, T replaced by C.
Protein change: p.Ile497Thr; replaces isoleucine 497 with threonine.
Molecular consequence: missense variant.
Genome position (GRCh38, 1-based): chr6:100,767,251, A>G on the plus strand (T>C on the coding strand, the complement: ASCC3 is on the minus strand). VCF-style: chr6-100767251-A-G. GRCh37 (hg19) VCF-style: chr6-101215127-A-G.
Other names: c.1490T>C, p.Ile497Thr (NM_001284271.2); short protein forms I497T.
Identifiers: ClinVar variation 3366139 (VCV003366139.1).